The following is an entry in ClinVar:

ClinVar aggregate classification (germline): Conflicting classifications of pathogenicity. Review status: criteria provided, conflicting classifications (1 of 4 stars). 3 submissions from 3 submitters: Uncertain significance (2); Likely benign (1). Last evaluated 2025-10-28.

Conditions:
Hereditary cancer. Identifiers: MedGen C1333600.
Hereditary cancer-predisposing syndrome. Also called: Neoplastic Syndromes, Hereditary; Hereditary Cancer Syndrome; Hereditary neoplastic syndrome; Tumor predisposition. Identifiers: Orphanet 140162, MedGen C0027672, MeSH D009386, MONDO:0015356.

Allele frequency attached by ClinVar (database versions not stated): TOPMed 0.00002.

Submissions (3):

Labcorp Genetics (formerly Invitae), Labcorp
Classification: Uncertain significance. Last evaluated: 2025-10-28. Review status: criteria provided, single submitter. Criteria: Invitae Variant Classification Sherloc (09022015). Collection method: clinical testing. Allele origin: germline.
Comment: This sequence change replaces leucine, which is neutral and non-polar, with phenylalanine, which is neutral and non-polar, at codon 1832 of the POLE protein (p.Leu1832Phe). This variant is not present in population databases (gnomAD no frequency). This variant has not been reported in the literature in individuals affected with POLE-related conditions. ClinVar contains an entry for this variant (Variation ID: 540670). Invitae Evidence Modeling of protein sequence and biophysical properties (such as structural, functional, and spatial information, amino acid conservation, physicochemical variation, residue mobility, and thermodynamic stability) indicates that this missense variant is not expected to disrupt POLE protein function with a negative predictive value of 80%. In summary, the available evidence is currently insufficient to determine the role of this variant in disease. Therefore, it has been classified as a Variant of Uncertain Significance.

Ambry Genetics
Classification: Uncertain significance for Hereditary cancer-predisposing syndrome. Last evaluated: 2025-03-24. Review status: criteria provided, single submitter. Criteria: Ambry Variant Classification Scheme 2023. Collection method: clinical testing. Allele origin: germline.
Comment: The p.L1832F variant (also known as c.5494C>T), located in coding exon 40 of the POLE gene, results from a C to T substitution at nucleotide position 5494. The leucine at codon 1832 is replaced by phenylalanine, an amino acid with highly similar properties. This amino acid position is conserved. In addition, the in silico prediction for this alteration is inconclusive. Based on the available evidence, the clinical significance of this variant remains unclear.

Mendelics
Classification: Likely benign for Hereditary cancer. Last evaluated: 2024-09-11. Review status: criteria provided, single submitter. Criteria: ACMG Guidelines, 2015. Collection method: clinical testing. Allele origin: unknown.
Comment: This variant is considered likely benign or benign based on one or more of the following: it is predicted to be benign by multiple in silico algorithms, and/or has population frequency not consistent with disease, and/or has normal protein function, and/or has lack of segregation with disease, and/or has been detected in co-occurrence with known pathogenic variant, and/or has lack of disease association in case-control studies, and/or is located in a region inconsistent with a known cause of pathogenicity.

NM_006231.4(POLE):c.5494C>T (p.Leu1832Phe)

Gene: POLE (DNA polymerase epsilon, catalytic subunit; minus strand). Cytogenetic location: 12q24.33.
Variant type: single nucleotide variant.
Coding change: c.5494C>T on transcript NM_006231.4 (MANE Select); coding-DNA position 5494, C replaced by T.
Protein change: p.Leu1832Phe; replaces leucine 1832 with phenylalanine.
Molecular consequence: missense variant.
Genome position (GRCh38, 1-based): chr12:132,639,183, G>A on the plus strand (C>T on the coding strand, the complement: POLE is on the minus strand). VCF-style: chr12-132639183-G-A. GRCh37 (hg19) VCF-style: chr12-133215769-G-A.
Other names: short protein forms L1832F.
Identifiers: ClinVar variation 540670 (VCV000540670.14), dbSNP rs1456049352, ClinGen allele CA387374653.
Genomic context (GRCh38, chr12:132,639,183, plus strand): 5'-ACTGCAGGAAGAGCTTCTTCATCATGTTGTGGAGTGTGCGGTGCAGGGCAGGGTCATGAA[G>A]CAGAGAGGATGGCGACCGAAGCCAGCGGTAGAAGTGCATCACCTGGTTGTCTGCATAGAT-3'
Protein context (NP_006222.2, residues 1822-1842): YRWLRSPSSL[Leu1832Phe]HDPALHRTLH